The following is an entry in ClinVar:

NM_172107.4(KCNQ2):c.1381C>T (p.Gln461Ter)

Gene: KCNQ2 (potassium voltage-gated channel subfamily Q member 2; minus strand). Cytogenetic location: 20q13.33.
Variant type: single nucleotide variant.
Coding change: c.1381C>T on transcript NM_172107.4 (MANE Select); coding-DNA position 1381, C replaced by T.
Protein change: p.Gln461Ter; replaces glutamine 461 with a stop codon.
Molecular consequence: nonsense.
Genome position (GRCh38, 1-based): chr20:63,415,047, G>A on the plus strand (C>T on the coding strand, the complement: KCNQ2 is on the minus strand). VCF-style: chr20-63415047-G-A. GRCh37 (hg19) VCF-style: chr20-62046400-G-A.
Other names: c.1297C>T, p.Gln433Ter (NM_004518.6); c.1327C>T, p.Gln443Ter (NM_172106.3); c.1291C>T, p.Gln431Ter (NM_172108.5); short protein forms Q461*, Q431*, Q433*, Q443*.
Identifiers: ClinVar variation 2028979 (VCV002028979.4), dbSNP rs267606051, ClinGen allele CA317431068.

ClinVar aggregate classification (germline): Pathogenic (1 of 4 stars; one submission).

Conditions:
Early-infantile DEE. Also called: Ohtahara syndrome; Early infantile epileptic encephalopathy with suppression bursts; Early infantile epileptic encephalopathy. Identifiers: Orphanet 1934, MedGen C0393706, MONDO:0800491.

Submission:

Labcorp Genetics (formerly Invitae), Labcorp
Classification: Pathogenic for Early-infantile DEE. Last evaluated: 2022-09-07. Review status: criteria provided, single submitter. Criteria: Invitae Variant Classification Sherloc (09022015). Collection method: clinical testing. Allele origin: germline.
Comment: For these reasons, this variant has been classified as Pathogenic. This variant has not been reported in the literature in individuals affected with KCNQ2-related conditions. This variant is not present in population databases (gnomAD no frequency). This sequence change creates a premature translational stop signal (p.Gln461*) in the KCNQ2 gene. It is expected to result in an absent or disrupted protein product. Loss-of-function variants in KCNQ2 are known to be pathogenic (PMID: 14534157, 23692823, 27779742).

Literature cited by the submitters: PubMed 14534157; PubMed 23692823; PubMed 27779742.